The following is an entry in ClinVar:

NM_003458.4(BSN):c.7832G>A (p.Ser2611Asn)

Gene: BSN (bassoon presynaptic cytomatrix protein; plus strand). Cytogenetic location: 3p21.31.
Variant type: single nucleotide variant.
Coding change: c.7832G>A on transcript NM_003458.4 (MANE Select); coding-DNA position 7832, G replaced by A.
Protein change: p.Ser2611Asn; replaces serine 2611 with asparagine.
Molecular consequence: missense variant.
Genome position (GRCh38, 1-based): chr3:49,657,388, G>A. VCF-style: chr3-49657388-G-A. GRCh37 (hg19) VCF-style: chr3-49694821-G-A.
Other names: short protein forms S2611N.
Identifiers: ClinVar variation 5037447 (VCV005037447.1).

ClinVar aggregate classification (germline): Uncertain significance (1 of 4 stars; one submission).

Submission:

GeneDx
Classification: Uncertain significance. Last evaluated: 2026-04-23. Review status: criteria provided, single submitter. Criteria: GeneDx Variant Classification Process June 2021. Collection method: clinical testing. Allele origin: germline.
Comment: Not observed at significant frequency in large population cohorts (gnomAD); In silico analysis supports that this missense variant has a deleterious effect on protein structure/function; Has not been previously published as pathogenic or benign to our knowledge